The following is an entry in ClinVar:

ClinVar aggregate classification (germline): Likely benign (1 of 4 stars; one submission).

Allele frequency attached by ClinVar (database versions not stated): 1000 Genomes Project 30x 0.00219; 1000 Genomes Project 0.00240; TOPMed 0.00457; gnomAD 0.00466; ESP Exome Variant Server 0.00563; ExAC 0.00565; gnomAD exomes 0.00620.
gnomAD v4.1: 9,345 of 1,558,272 alleles (0.6%); highest among the groups gnomAD compares: Non-Finnish European, 0.72%; 35 homozygotes.

Submission:

CeGaT Center for Human Genetics Tuebingen
Classification: Likely benign. Last evaluated: 2022-11-01. Review status: criteria provided, single submitter. Criteria: CeGaT Center For Human Genetics Tuebingen Variant Classification Criteria Version 2. Collection method: clinical testing. Allele origin: germline. Affected: yes. Observed: 1 variant allele.
Comment: FNDC3A: BP4, BS2

NM_001079673.2(FNDC3A):c.100-8T>C

Gene: FNDC3A (fibronectin type III domain containing 3A; plus strand). Cytogenetic location: 13q14.2.
Variant type: single nucleotide variant.
Coding change: c.100-8T>C on transcript NM_001079673.2 (MANE Select); 8 bases into the intron before coding-DNA position 100, T replaced by C.
Molecular consequence: intron variant.
Genome position (GRCh38, 1-based): chr13:49,075,281, T>C. VCF-style: chr13-49075281-T-C. GRCh37 (hg19) VCF-style: chr13-49649417-T-C.
Other names: c.100-8T>C (NM_001278438.2).
Identifiers: ClinVar variation 2643814 (VCV002643814.24), dbSNP rs111263636, ClinGen allele CA6979684.